The following is an entry in ClinVar:

ClinVar aggregate classification (germline): Uncertain significance (1 of 4 stars; one submission).

Submission:

Ambry Genetics
Classification: Uncertain significance. Last evaluated: 2024-11-01. Review status: criteria provided, single submitter. Criteria: Ambry Variant Classification Scheme 2023. Collection method: clinical testing. Allele origin: germline.
Comment: The p.L1282R variant (also known as c.3845T>G), located in coding exon 8 of the MLH3 gene, results from a T to G substitution at nucleotide position 3845. The leucine at codon 1282 is replaced by arginine, an amino acid with dissimilar properties. This amino acid position is conserved. In addition, this alteration is predicted to be deleterious by in silico analysis. Based on the available evidence, the clinical significance of this variant remains unclear.

NM_001040108.2(MLH3):c.3845T>G (p.Leu1282Arg)

Gene: MLH3 (mutL homolog 3; minus strand). Cytogenetic location: 14q24.3.
Variant type: single nucleotide variant.
Coding change: c.3845T>G on transcript NM_001040108.2 (MANE Select); coding-DNA position 3845, T replaced by G.
Protein change: p.Leu1282Arg; replaces leucine 1282 with arginine.
Molecular consequence: missense variant.
Genome position (GRCh38, 1-based): chr14:75,030,685, A>C on the plus strand (T>G on the coding strand, the complement: MLH3 is on the minus strand). VCF-style: chr14-75030685-A-C. GRCh37 (hg19) VCF-style: chr14-75497388-A-C.
Other names: c.3773T>G, p.Leu1258Arg (NM_014381.3); short protein forms L1258R, L1282R.
Identifiers: ClinVar variation 3396757 (VCV003396757.1).